The following is an entry in ClinVar:

NM_024422.6(DSC2):c.1078-2A>G

Gene: DSC2 (desmocollin 2; minus strand). Cytogenetic location: 18q12.1.
Variant type: single nucleotide variant.
Coding change: c.1078-2A>G on transcript NM_024422.6 (MANE Select); the canonical splice acceptor site of the intron before coding-DNA position 1078, A replaced by G.
Molecular consequence: splice acceptor variant.
Genome position (GRCh38, 1-based): chr18:31,082,425, T>C on the plus strand (A>G on the coding strand, the complement: DSC2 is on the minus strand). VCF-style: chr18-31082425-T-C. GRCh37 (hg19) VCF-style: chr18-28662391-T-C.
Other names: c.1078-2A>G (NM_004949.5); c.649-2A>G (NM_001406506.1, NM_001406507.1).
Identifiers: ClinVar variation 4888201 (VCV004888201.1).
Genomic context (GRCh38, chr18:31,082,425, plus strand): 5'-TCAACAGTAACTCGTAAGATTTCCACATCAACTGTATTTTCTTCCACTGATGTCACATAC[T>C]AAAATAATAAAAGCAAACAAAAAATTTCGTTAGTAACTCTCACAAAAATTGAACACGATG-3'

ClinVar aggregate classification (germline): Likely pathogenic (1 of 4 stars; one submission).

Submission:

GeneDx
Classification: Likely pathogenic. Last evaluated: 2026-02-23. Review status: criteria provided, single submitter. Criteria: GeneDx Variant Classification Process June 2021. Collection method: clinical testing. Allele origin: germline.
Comment: Not observed at significant frequency in large population cohorts (gnomAD); Canonical splice site variant predicted to result in an in-frame loss of the adjacent exon in a gene for which loss of function is a known mechanism of disease; This variant is associated with the following publications: (PMID: 31638835)